The following is an entry in ClinVar:

NM_006086.4(TUBB3):c.7G>A (p.Glu3Lys)

Genes: TUBB3 (tubulin beta 3 class III; plus strand), LOC130059847 (ATAC-STARR-seq lymphoblastoid silent region 7932; plus strand). Cytogenetic location: 16q24.3.
Variant type: single nucleotide variant.
Coding change: c.7G>A on transcript NM_006086.4 (MANE Select); coding-DNA position 7, G replaced by A.
Protein change: p.Glu3Lys; replaces glutamic acid 3 with lysine.
Molecular consequence: missense variant. On other transcripts: intron variant (1).
Genome position (GRCh38, 1-based): chr16:89,923,408, G>A. VCF-style: chr16-89923408-G-A. GRCh37 (hg19) VCF-style: chr16-89989816-G-A.
Other names: c.-160+1163G>A (NM_001197181.2); short protein forms E3K.
Identifiers: ClinVar variation 5018888 (VCV005018888.2).
Genomic context (GRCh38, chr16:89,923,408, plus strand): 5'-AGCCAGCCCGGCCCGCCCGCGCCCGTCCGCAGCCGCCCGCCAGACGCGCCCAGTATGAGG[G>A]AGATCGTGCACATCCAGGCCGGCCAGTGCGGCAACCAGATCGGGGCCAAGGTGAGGCTGC-3'
Protein context (NP_006077.2, residues 1-13): MR[Glu3Lys]IVHIQAGQCG

ClinVar aggregate classification (germline): Uncertain significance (1 of 4 stars; one submission).

Conditions:
Complex cortical dysplasia with other brain malformations 1. Identifiers: Orphanet 300570, MedGen C3808397, MONDO:0013541, OMIM 614039.
Fibrosis of extraocular muscles, congenital, 3A, with or without extraocular involvement. Also called: CONGENITAL FIBROSIS OF EXTRAOCULAR MUSCLES 3A; FEOM3 LOCUS. Identifiers: MedGen C2748801, MONDO:0010912, OMIM 600638.

gnomAD v4.1: 1 of 1,510,320 alleles (0.000066%); highest among the groups gnomAD compares: Non-Finnish European, 0.000089%; no homozygotes.

Submission:

Juno Genomics, Hangzhou Juno Genomics, Inc
Classification: Uncertain significance for Complex cortical dysplasia with other brain malformations 1; Fibrosis of extraocular muscles, congenital, 3A, with or without extraocular involvement. Review status: criteria provided, single submitter. Criteria: ACMG Guidelines, 2015. Collection method: clinical testing. Allele origin: germline.
Comment: Absent from controls (or at extremely low frequency if recessive) in Genome Aggregation Database.;Missense variant in a gene that has a low rate of benign missense variation.;Multiple lines of computational evidence support a deleterious effect on the gene or gene product.